The following is an entry in ClinVar:

NM_000263.4(NAGLU):c.2139G>C (p.Gln713His)

Gene: NAGLU (N-acetyl-alpha-glucosaminidase; plus strand). Cytogenetic location: 17q21.2.
Variant type: single nucleotide variant.
Coding change: c.2139G>C on transcript NM_000263.4 (MANE Select); coding-DNA position 2139, G replaced by C.
Protein change: p.Gln713His; replaces glutamine 713 with histidine.
Molecular consequence: missense variant.
Genome position (GRCh38, 1-based): chr17:42,544,145, G>C. VCF-style: chr17-42544145-G-C. GRCh37 (hg19) VCF-style: chr17-40696163-G-C.
Other names: short protein forms Q713H.
Identifiers: ClinVar variation 2098338 (VCV002098338.4), dbSNP rs2510661069, ClinGen allele CA399606247.
Genomic context (GRCh38, chr17:42,544,145, plus strand): 5'-ACAGCACCAGTTTGACAAAAATGTCTTCCAACTGGAGCAGGCCTTCGTTCTCAGCAAGCA[G>C]AGGTACCCCAGCCAGCCGCGAGGAGACACTGTGGACCTGGCCAAGAAGATCTTCCTCAAA-3'
Protein context (NP_000254.2, residues 703-723): QLEQAFVLSK[Gln713His]RYPSQPRGDT

ClinVar aggregate classification (germline): Uncertain significance (1 of 4 stars; one submission).

Conditions:
Charcot-Marie-Tooth disease axonal type 2V. Also called: CHARCOT-MARIE-TOOTH NEUROPATHY, TYPE 2V; CHARCOT-MARIE-TOOTH DISEASE, AXONAL, AUTOSOMAL DOMINANT, TYPE 2V. Identifiers: Orphanet 447964, MedGen C5569050, MONDO:0014665, OMIM 616491.
Mucopolysaccharidosis, MPS-III-B (MPS3B). Also called: N-ACETYL-ALPHA-D-GLUCOSAMINIDASE DEFICIENCY; NAGLU DEFICIENCY; SANFILIPPO SYNDROME B; MPS III B; MUCOPOLYSACCHARIDOSIS, TYPE IIIB; MPS IIIB (Sanfilippo Syndrome Type B). Identifiers: Orphanet 79270, MedGen C0086648, MONDO:0009656, OMIM 252920.

Submission:

Labcorp Genetics (formerly Invitae), Labcorp
Classification: Uncertain significance for Charcot-Marie-Tooth disease axonal type 2V; Mucopolysaccharidosis, MPS-III-B. Last evaluated: 2022-02-18. Review status: criteria provided, single submitter. Criteria: Invitae Variant Classification Sherloc (09022015). Collection method: clinical testing. Allele origin: germline.
Comment: This sequence change replaces glutamine, which is neutral and polar, with histidine, which is basic and polar, at codon 713 of the NAGLU protein (p.Gln713His). This variant is not present in population databases (gnomAD no frequency). This variant has not been reported in the literature in individuals affected with NAGLU-related conditions. Advanced modeling of protein sequence and biophysical properties (such as structural, functional, and spatial information, amino acid conservation, physicochemical variation, residue mobility, and thermodynamic stability) performed at Invitae indicates that this missense variant is not expected to disrupt NAGLU protein function. In summary, the available evidence is currently insufficient to determine the role of this variant in disease. Therefore, it has been classified as a Variant of Uncertain Significance.